The following is an entry in ClinVar:

ClinVar aggregate classification (germline): Benign (1 of 4 stars; one submission).

Allele frequency attached by ClinVar (database versions not stated): 1000 Genomes Project 0.64137; 1000 Genomes Project 30x 0.64335; gnomAD 0.67494 and 0.67800; TOPMed 0.68294.
gnomAD v4.1: 101,103 of 149,814 alleles (67%); highest among the groups gnomAD compares: Non-Finnish European, 71%; 34,242 homozygotes.

Submission:

GeneDx
Classification: Benign. Last evaluated: 2018-06-14. Review status: criteria provided, single submitter. Criteria: GeneDx Variant Classification (06012015). Collection method: clinical testing. Allele origin: germline. Affected: yes.
Comment: This variant is considered likely benign or benign based on one or more of the following criteria: it is a conservative change, it occurs at a poorly conserved position in the protein, it is predicted to be benign by multiple in silico algorithms, and/or has population frequency not consistent with disease.

NM_182961.4(SYNE1):c.67+291T>C

Gene: SYNE1 (spectrin repeat containing nuclear envelope protein 1; minus strand). Cytogenetic location: 6q25.2.
Variant type: single nucleotide variant.
Coding change: c.67+291T>C on transcript NM_182961.4 (MANE Select); 291 bases into the intron after coding-DNA position 67, T replaced by C.
Molecular consequence: intron variant.
Genome position (GRCh38, 1-based): chr6:152,627,974, A>G on the plus strand (T>C on the coding strand, the complement: SYNE1 is on the minus strand). VCF-style: chr6-152627974-A-G. GRCh37 (hg19) VCF-style: chr6-152949109-A-G.
Other names: c.67+291T>C (NM_033071.5).
Identifiers: ClinVar variation 683894 (VCV000683894.1), dbSNP rs7765586, ClinGen allele CA150444407.